The following is an entry in ClinVar:

NM_003327.4(TNFRSF4):c.206C>T (p.Pro69Leu)

Gene: TNFRSF4 (TNF receptor superfamily member 4; minus strand). Cytogenetic location: 1p36.33.
Variant type: single nucleotide variant.
Coding change: c.206C>T on transcript NM_003327.4 (MANE Select); coding-DNA position 206, C replaced by T.
Protein change: p.Pro69Leu; replaces proline 69 with leucine.
Molecular consequence: missense variant.
Genome position (GRCh38, 1-based): chr1:1,213,725, G>A on the plus strand (C>T on the coding strand, the complement: TNFRSF4 is on the minus strand). VCF-style: chr1-1213725-G-A. GRCh37 (hg19) VCF-style: chr1-1149105-G-A.
Other names: short protein forms P69L.
Identifiers: ClinVar variation 938036 (VCV000938036.8), dbSNP rs199733493, ClinGen allele CA512624.

ClinVar aggregate classification (germline): Uncertain significance. Review status: criteria provided, multiple submitters, no conflicts (2 of 4 stars). 2 submissions from 2 submitters: Uncertain significance (2). Last evaluated 2026-01-26.

Conditions:
Combined immunodeficiency due to OX40 deficiency. Also called: Immunodeficiency 16; OX40 DEFICIENCY. Identifiers: Orphanet 431149, MedGen C3810053, MONDO:0014268, OMIM 615593.

Allele frequency attached by ClinVar (database versions not stated): gnomAD exomes 0.00004; ExAC 0.00006; TOPMed 0.00008; gnomAD 0.00011; ESP Exome Variant Server 0.00023.
gnomAD v4.1: 171 of 1,601,078 alleles (0.011%); highest among the groups gnomAD compares: Non-Finnish European, 0.013%; no homozygotes.

Submissions (2):

Labcorp Genetics (formerly Invitae), Labcorp
Classification: Uncertain significance for Combined immunodeficiency due to OX40 deficiency. Last evaluated: 2026-01-26. Review status: criteria provided, single submitter. Criteria: Invitae Variant Classification Sherloc (09022015). Collection method: clinical testing. Allele origin: germline.
Comment: This sequence change replaces proline, which is neutral and non-polar, with leucine, which is neutral and non-polar, at codon 69 of the TNFRSF4 protein (p.Pro69Leu). This variant is present in population databases (rs199733493, gnomAD 0.007%). This variant has not been reported in the literature in individuals affected with TNFRSF4-related conditions. ClinVar contains an entry for this variant (Variation ID: 938036). Invitae Evidence Modeling of protein sequence and biophysical properties (such as structural, functional, and spatial information, amino acid conservation, physicochemical variation, residue mobility, and thermodynamic stability) indicates that this missense variant is not expected to disrupt TNFRSF4 protein function with a negative predictive value of 80%. In summary, the available evidence is currently insufficient to determine the role of this variant in disease. Therefore, it has been classified as a Variant of Uncertain Significance.

Breakthrough Genomics
Classification: Uncertain significance. Review status: criteria provided, single submitter. Criteria: ACMG Guidelines, 2015. Collection method: not provided. Allele origin: germline. Inheritance: Autosomal recessive inheritance. Affected: yes.